The following is an entry in ClinVar:

ClinVar aggregate classification (germline): Uncertain significance (1 of 4 stars; one submission).

Submission:

Labcorp Genetics (formerly Invitae), Labcorp
Classification: Uncertain significance. Last evaluated: 2025-11-03. Review status: criteria provided, single submitter. Criteria: Invitae Variant Classification Sherloc (09022015). Collection method: clinical testing. Allele origin: germline.
Comment: This sequence change replaces glutamine, which is neutral and polar, with arginine, which is basic and polar, at codon 351 of the WNT5A protein (p.Gln351Arg). This variant is present in population databases (no rsID available, gnomAD 0.006%). This variant has not been reported in the literature in individuals affected with WNT5A-related conditions. ClinVar contains an entry for this variant (Variation ID: 3718663). Invitae Evidence Modeling of protein sequence and biophysical properties (such as structural, functional, and spatial information, amino acid conservation, physicochemical variation, residue mobility, and thermodynamic stability) indicates that this missense variant is not expected to disrupt WNT5A protein function with a negative predictive value of 80%. In summary, the available evidence is currently insufficient to determine the role of this variant in disease. Therefore, it has been classified as a Variant of Uncertain Significance.

NM_003392.7(WNT5A):c.1052A>G (p.Gln351Arg)

Gene: WNT5A (Wnt family member 5A; minus strand). Cytogenetic location: 3p14.3.
Variant type: single nucleotide variant.
Coding change: c.1052A>G on transcript NM_003392.7 (MANE Select); coding-DNA position 1052, A replaced by G.
Protein change: p.Gln351Arg; replaces glutamine 351 with arginine.
Molecular consequence: missense variant.
Genome position (GRCh38, 1-based): chr3:55,470,183, T>C on the plus strand (A>G on the coding strand, the complement: WNT5A is on the minus strand). VCF-style: chr3-55470183-T-C. GRCh37 (hg19) VCF-style: chr3-55504211-T-C.
Other names: c.1007A>G, p.Gln336Arg (NM_001256105.1, NM_001377271.1, NM_001377272.1); short protein forms Q351R, Q336R.
Identifiers: ClinVar variation 3718663 (VCV003718663.2).